The following is an entry in ClinVar:

NM_015627.3(LDLRAP1):c.533A>T (p.Glu178Val)

Gene: LDLRAP1 (low density lipoprotein receptor adaptor protein 1; plus strand). Cytogenetic location: 1p36.11.
Variant type: single nucleotide variant.
Coding change: c.533A>T on transcript NM_015627.3 (MANE Select); coding-DNA position 533, A replaced by T.
Protein change: p.Glu178Val; replaces glutamic acid 178 with valine.
Molecular consequence: missense variant.
Genome position (GRCh38, 1-based): chr1:25,563,070, A>T. VCF-style: chr1-25563070-A-T. GRCh37 (hg19) VCF-style: chr1-25889561-A-T.
Other names: short protein forms E178V.
Identifiers: ClinVar variation 546344 (VCV000546344.3), dbSNP rs1553174231, ClinGen allele CA339073820.
Genomic context (GRCh38, chr1:25,563,070, plus strand): 5'-ATTGCTGGGGACAGAGTGCTGGGGTCTGAGGCTCCAACATGTTGTGCCTTGGTCCTGCAG[A>T]GAAAGAGAAGAGGGACAAAGCCAGCCAAGAGGGAGGGGACGTCCTGGGGGCCCGCCAAGA-3'
Protein context (NP_056442.2, residues 168-188): AFEFWQVSKE[Glu178Val]KEKRDKASQE

ClinVar aggregate classification (germline): Uncertain significance. Review status: criteria provided, multiple submitters, no conflicts (2 of 4 stars). 2 submissions from 2 submitters: Uncertain significance (2). Last evaluated 2024-11-18.

Conditions:
Cardiovascular phenotype. Identifiers: MedGen CN230736.

Allele frequency attached by ClinVar (database versions not stated): TOPMed below 0.00001.

Submissions (2):

Ambry Genetics
Classification: Uncertain significance for Cardiovascular phenotype. Last evaluated: 2024-11-18. Review status: criteria provided, single submitter. Criteria: Ambry Variant Classification Scheme 2023. Collection method: clinical testing. Allele origin: germline.
Comment: The p.E178V variant (also known as c.533A>T) is located in coding exon 6 of the LDLRAP1 gene. The glutamic acid at codon 178 is replaced by valine, an amino acid with dissimilar properties. This change occurs in the first base pair of coding exon 6. This amino acid position is conserved. In addition, the in silico prediction for this alteration is inconclusive. Based on the available evidence, the clinical significance of this variant remains unclear.

GeneDx
Classification: Uncertain significance. Last evaluated: 2018-05-16. Review status: criteria provided, single submitter. Criteria: GeneDx Variant Classification (06012015). Collection method: clinical testing. Allele origin: germline. Affected: yes.
Comment: A variant of uncertain significance has been identified in the LDLRAP1 gene. The E178V (c.533 A>T) variant has not been published as pathogenic or been reported as benign to our knowledge. This variant is not observed in large population cohorts (Lek et al., 2016). The E178V (c.533 A>T) variant could be functionally significant at the protein and/or mRNA level. At the protein level, the E178V variant is a non-conservative amino acid substitution, which is likely to impact secondary protein structure as these residues differ in polarity, charge, size and/or other properties. In-silico analyses, including protein predictors and evolutionary conservation, support a deleterious effect. At the mRNA level, c.533 A>T occurs at the first nucleotide of exon 6. Some in-silico splicing algorithms predict c.533 A>T may reduce the efficiency of the natural splice acceptor site of intron 5, which may lead to aberrant gene splicing. Nevertheless, in the absence of functional mRNA studies, the physiological consequence of this variant cannot be precisely determined. However, based on the currently available information, it is unclear whether this variant is pathogenic or rare benign.